The following is an entry in ClinVar:

ClinVar aggregate classification (germline): Uncertain significance (1 of 4 stars; one submission).

Conditions:
Amyotrophic lateral sclerosis type 8 (ALS8). Identifiers: Orphanet 803, MedGen C1837728, MONDO:0012077, OMIM 608627.
Adult-onset proximal spinal muscular atrophy, autosomal dominant. Also called: Spinal muscular atrophy, late-onset, finkel type; FINKEL LATE-ADULT TYPE SMA. Identifiers: Orphanet 209335, MedGen C1854058, MONDO:0008453, OMIM 182980.

Submission:

Labcorp Genetics (formerly Invitae), Labcorp
Classification: Uncertain significance for Adult-onset proximal spinal muscular atrophy, autosomal dominant; Amyotrophic lateral sclerosis type 8. Last evaluated: 2024-08-19. Review status: criteria provided, single submitter. Criteria: Invitae Variant Classification Sherloc (09022015). Collection method: clinical testing. Allele origin: germline.
Comment: This sequence change creates a premature translational stop signal (p.Gln189Alafs*33) in the VAPB gene. While this is not anticipated to result in nonsense mediated decay, it is expected to disrupt the last 55 amino acid(s) of the VAPB protein. This variant is not present in population databases (gnomAD no frequency). This variant has not been reported in the literature in individuals affected with VAPB-related conditions. ClinVar contains an entry for this variant (Variation ID: 2071490). Experimental studies and prediction algorithms are not available or were not evaluated, and the functional significance of this variant is currently unknown. In summary, the available evidence is currently insufficient to determine the role of this variant in disease. Therefore, it has been classified as a Variant of Uncertain Significance.

NM_004738.5(VAPB):c.563dup (p.Gln189fs)

Gene: VAPB (VAMP associated protein B and C; plus strand). Cytogenetic location: 20q13.32.
Variant type: Duplication.
Coding change: c.563dup on transcript NM_004738.5 (MANE Select); coding-DNA position 563, one base duplicated (A; older notation c.563dupA).
Protein change: p.Gln189fs; shifts the reading frame from glutamine 189.
Molecular consequence: frameshift variant. On other transcripts: non-coding transcript variant (1), intron variant (1).
Genome position (GRCh38, 1-based): chr20:58,441,073, A duplicated; the last of 2 consecutive A bases (chr20:58,441,072-58,441,073); duplicating either gives the same sequence. VCF-style (leftmost placement, unchanged base first): chr20-58441071-C-CA. GRCh37 (hg19) VCF-style: chr20-57016127-C-CA.
Other names: c.212-3004dup (NM_001195677.2); short protein forms Q189fs.
Identifiers: ClinVar variation 2071490 (VCV002071490.4), dbSNP rs2516066317, ClinGen allele CA2577435086.